The following is an entry in ClinVar:

ClinVar aggregate classification (germline): Uncertain significance. Review status: criteria provided, multiple submitters, no conflicts (2 of 4 stars). 2 submissions from 2 submitters: Uncertain significance (2). Last evaluated 2025-08-21.

Conditions:
Spastic paraplegia 88, autosomal dominant. Identifiers: MedGen C5774247, MONDO:0859309, OMIM 620106.

Submissions (2):

Labcorp Genetics (formerly Invitae), Labcorp
Classification: Uncertain significance. Last evaluated: 2025-08-21. Review status: criteria provided, single submitter. Criteria: Invitae Variant Classification Sherloc (09022015). Collection method: clinical testing. Allele origin: germline.
Comment: This sequence change replaces glycine, which is neutral and non-polar, with aspartic acid, which is acidic and polar, at codon 434 of the KPNA3 protein (p.Gly434Asp). This variant is not present in population databases (gnomAD no frequency). This missense change has been observed in individual(s) with spastic paraplegia (internal data). An algorithm developed to predict the effect of missense changes on protein structure and function (PolyPhen-2) suggests that this variant is likely to be disruptive. In summary, the available evidence is currently insufficient to determine the role of this variant in disease. Therefore, it has been classified as a Variant of Uncertain Significance.

3billion
Classification: Uncertain significance for Spastic paraplegia 88, autosomal dominant. Last evaluated: 2025-07-08. Review status: criteria provided, single submitter. Criteria: ACMG Guidelines, 2015. Collection method: clinical testing. Allele origin: germline. Affected: yes.
Comment: The variant is not observed in the gnomAD v4.1.0 dataset. Predicted Consequence/Location: Missense variant. Missense changes are a common disease-causing mechanism. In silico tool predictions suggest damaging effect of the variant on gene or gene product [REVEL: 0.83 (>=0.6, sensitivity 0.68 and specificity 0.92)]. Therefore, this variant is classified as VUS according to the recommendation of ACMG/AMP guideline.

NM_002267.4(KPNA3):c.1301G>A (p.Gly434Asp)

Gene: KPNA3 (karyopherin subunit alpha 3; minus strand). Cytogenetic location: 13q14.2.
Variant type: single nucleotide variant.
Coding change: c.1301G>A on transcript NM_002267.4 (MANE Select); coding-DNA position 1301, G replaced by A.
Protein change: p.Gly434Asp; replaces glycine 434 with aspartic acid.
Molecular consequence: missense variant.
Genome position (GRCh38, 1-based): chr13:49,705,692, C>T on the plus strand (G>A on the coding strand, the complement: KPNA3 is on the minus strand). VCF-style: chr13-49705692-C-T. GRCh37 (hg19) VCF-style: chr13-50279828-C-T.
Other names: short protein forms G434D.
Identifiers: ClinVar variation 4725819 (VCV004725819.2).